The following is an entry in ClinVar:

NM_000321.3(RB1):c.137+1G>A

Gene: RB1 (RB transcriptional corepressor 1; plus strand). Cytogenetic location: 13q14.2.
Variant type: single nucleotide variant.
Coding change: c.137+1G>A on transcript NM_000321.3 (MANE Select); the canonical splice donor site of the intron after coding-DNA position 137, G replaced by A.
Molecular consequence: splice donor variant.
Genome position (GRCh38, 1-based): chr13:48,304,050, G>A. VCF-style: chr13-48304050-G-A. GRCh37 (hg19) VCF-style: chr13-48878186-G-A.
Other names: c.137+1G>A (NM_001407165.1, NM_001407166.1, NM_001407167.1).
Identifiers: ClinVar variation 1448276 (VCV001448276.7), dbSNP rs1131690855, ClinGen allele CA388250407.
Genomic context (GRCh38, chr13:48,304,050, plus strand): 5'-GCCCCCTCCTGAGGAGGACCCAGAGCAGGACAGCGGCCCGGAGGACCTGCCTCTCGTCAG[G>A]TGAGCGAGCAGAGCCGCCGTCGCCTCACGCGGGAAGGGCGCCCCGGGTGTGCGTAGGGCG-3'

ClinVar aggregate classification (germline): Pathogenic. Review status: criteria provided, multiple submitters, no conflicts (2 of 4 stars). 2 submissions from 2 submitters: Pathogenic (2). Last evaluated 2024-11-06.

Conditions:
Retinoblastoma (RB1). Also called: RETINOBLASTOMA, SOMATIC. Identifiers: Orphanet 790, MedGen C0035335, MeSH D012175, MONDO:0008380, OMIM 180200, HP:0009919. Disease mechanism: loss of function. Inheritance: Both sporadic and heritable forms are tested..

Submissions (2):

Labcorp Genetics (formerly Invitae), Labcorp
Classification: Pathogenic for Retinoblastoma. Last evaluated: 2024-11-06. Review status: criteria provided, single submitter. Criteria: Invitae Variant Classification Sherloc (09022015). Collection method: clinical testing. Allele origin: germline.
Comment: This sequence change affects a donor splice site in intron 1 of the RB1 gene. It is expected to disrupt RNA splicing. Variants that disrupt the donor or acceptor splice site typically lead to a loss of protein function (PMID: 16199547), and loss-of-function variants in RB1 are known to be pathogenic (PMID: 17096365). This variant is not present in population databases (gnomAD no frequency). Disruption of this splice site has been observed in individual(s) with bilateral retinoblastoma and/or osteosarcoma (PMID: 15776430, 16463005). ClinVar contains an entry for this variant (Variation ID: 1448276). Algorithms developed to predict the effect of sequence changes on RNA splicing suggest that this variant may disrupt the consensus splice site. For these reasons, this variant has been classified as Pathogenic.

Genetic Diagnostic Laboratory, University of Pennsylvania School of Medicine
Classification: Pathogenic for Retinoblastoma. Last evaluated: 2024-05-20. Review status: criteria provided, single submitter. Criteria: ACMG Guidelines, 2015. Collection method: clinical testing. Allele origin: germline. Affected: yes. Observed: 1 variant allele.
Comment: Case and Pedigree Information: BILATERAL CASES:1, UNILATERAL CASES:0, TOTAL CASES:1, PEDIGREES:1. ACMG Codes Applied:PVS1, PM2

Literature cited by the submitters: PubMed 16199547 (cited by Labcorp Genetics (formerly Invitae), Labcorp); PubMed 17096365 (cited by Labcorp Genetics (formerly Invitae), Labcorp); PubMed 15776430 (cited by Labcorp Genetics (formerly Invitae), Labcorp); PubMed 16463005 (cited by Labcorp Genetics (formerly Invitae), Labcorp).